The following is an entry in ClinVar:

NM_020975.6(RET):c.745G>A (p.Ala249Thr)

Gene: RET (ret proto-oncogene; plus strand). Cytogenetic location: 10q11.21.
Variant type: single nucleotide variant.
Coding change: c.745G>A on transcript NM_020975.6 (MANE Select); coding-DNA position 745, G replaced by A.
Protein change: p.Ala249Thr; replaces alanine 249 with threonine.
Molecular consequence: missense variant.
Genome position (GRCh38, 1-based): chr10:43,105,071, G>A. VCF-style: chr10-43105071-G-A. GRCh37 (hg19) VCF-style: chr10-43600519-G-A.
Other names: c.745G>A, p.Ala249Thr (NM_001406759.1, NM_001406760.1, NM_001406763.1 and 8 more transcripts); c.616G>A, p.Ala206Thr (NM_001406761.1, NM_001406762.1, NM_001406764.1 and 2 more transcripts); c.457G>A, p.Ala153Thr (NM_001406766.1, NM_001406767.1, NM_001406770.1); c.-18G>A (NM_001355216.2); short protein forms A249T, A153T, A206T.
Identifiers: ClinVar variation 570369 (VCV000570369.14), dbSNP rs1564491259, ClinGen allele CA376544840.
Genomic context (GRCh38, chr10:43,105,071, plus strand): 5'-CTGGACCGCGAGCAGCGGGAGAAGTACGAGCTGGTGGCCGTGTGCACCGTGCACGCCGGC[G>A]CGCGCGAGGAGGTGGTGATGGTGCCCTTCCCGGTGACCGTGTACGACGAGGACGACTCGG-3'
Protein context (NP_066124.1, residues 239-259): LVAVCTVHAG[Ala249Thr]REEVVMVPFP

ClinVar aggregate classification (germline): Conflicting classifications of pathogenicity. Review status: criteria provided, conflicting classifications (1 of 4 stars). 2 submissions from 2 submitters: Uncertain significance (1); Likely benign (1). Last evaluated 2026-08-28.

Conditions:
Multiple endocrine neoplasia, type 2 (MEN2). Identifiers: Orphanet 653, MedGen C4048306, MONDO:0019003. Disease mechanism: gain of function.
Hereditary cancer-predisposing syndrome. Also called: Neoplastic Syndromes, Hereditary; Hereditary Cancer Syndrome; Hereditary neoplastic syndrome; Tumor predisposition. Identifiers: Orphanet 140162, MedGen C0027672, MeSH D009386, MONDO:0015356.

Submissions (2):

Ambry Genetics
Classification: Likely benign for Hereditary cancer-predisposing syndrome. Last evaluated: 2026-08-28. Review status: criteria provided, single submitter. Criteria: Ambry Variant Classification Scheme 2023. Collection method: clinical testing. Allele origin: germline.

Labcorp Genetics (formerly Invitae), Labcorp
Classification: Uncertain significance for Multiple endocrine neoplasia, type 2. Last evaluated: 2025-04-27. Review status: criteria provided, single submitter. Criteria: Invitae Variant Classification Sherloc (09022015). Collection method: clinical testing. Allele origin: germline.
Comment: This sequence change replaces alanine, which is neutral and non-polar, with threonine, which is neutral and polar, at codon 249 of the RET protein (p.Ala249Thr). This variant is not present in population databases (gnomAD no frequency). This variant has not been reported in the literature in individuals affected with RET-related conditions. ClinVar contains an entry for this variant (Variation ID: 570369). An algorithm developed to predict the effect of missense changes on protein structure and function outputs the following: PolyPhen-2: "Benign". The threonine amino acid residue is found in multiple mammalian species, which suggests that this missense change does not adversely affect protein function. In summary, the available evidence is currently insufficient to determine the role of this variant in disease. Therefore, it has been classified as a Variant of Uncertain Significance.